The following is an entry in ClinVar:

NM_007126.5(VCP):c.656T>C (p.Met219Thr)

Gene: VCP (valosin containing protein; minus strand). Cytogenetic location: 9p13.3.
Variant type: single nucleotide variant.
Coding change: c.656T>C on transcript NM_007126.5 (MANE Select); coding-DNA position 656, T replaced by C.
Protein change: p.Met219Thr; replaces methionine 219 with threonine.
Molecular consequence: missense variant.
Genome position (GRCh38, 1-based): chr9:35,064,206, A>G on the plus strand (T>C on the coding strand, the complement: VCP is on the minus strand). VCF-style: chr9-35064206-A-G. GRCh37 (hg19) VCF-style: chr9-35064203-A-G.
Other names: c.521T>C, p.Met174Thr (NM_001354927.2, NM_001354928.2); short protein forms M174T, M219T.
Identifiers: ClinVar variation 5017393 (VCV005017393.1).
Genomic context (GRCh38, chr9:35,064,206, plus strand): 5'-ATGCTCACCTTCACACCAATTGCCTTAAAGAGGGCAGGATGTCTCAGGGGCAGTTCCACC[A>G]TCTCCTTTATCTGAGCTAGCTGCTTCCTGCAGCCACCAATGTCATCATACCCTACTTCAT-3'
Protein context (NP_009057.1, residues 209-229): CRKQLAQIKE[Met219Thr]VELPLRHPAL

ClinVar aggregate classification (germline): Uncertain significance (1 of 4 stars; one submission).

Submission:

GeneDx
Classification: Uncertain significance. Last evaluated: 2026-03-24. Review status: criteria provided, single submitter. Criteria: GeneDx Variant Classification Process June 2021. Collection method: clinical testing. Allele origin: germline.
Comment: Not observed at significant frequency in large population cohorts (gnomAD); In silico analysis supports that this missense variant has a deleterious effect on protein structure/function; Has not been previously published as pathogenic or benign to our knowledge